The following is an entry in ClinVar:

ClinVar aggregate classification (germline): Likely pathogenic (1 of 4 stars; one submission).

Conditions:
Congenital dyserythropoietic anemia type type 1B (CDAN1B). Also called: C15ORF41-Related Congenital Dyserythropoietic Anemia; ANEMIA, CONGENITAL DYSERYTHROPOIETIC, TYPE Ib; CDA, TYPE Ib. Identifiers: Orphanet 98869, MedGen C3810185, MONDO:0014285, OMIM 615631.

gnomAD v4.1: 1 of 1,613,124 alleles (0.000062%); highest among the groups gnomAD compares: Non-Finnish European, 0.000085%; no homozygotes.

Submission:

SIB Swiss Institute of Bioinformatics
Classification: Likely pathogenic for Congenital dyserythropoietic anemia type type 1B. Last evaluated: 2019-07-11. Review status: criteria provided, single submitter. Criteria: ACMG Guidelines, 2015. Collection method: curation. Allele origin: unknown.
Comment: This variant is interpreted as a Likely pathogenic for congenital dyserythropoietic anemia type Ib, autosomal recessive. The following ACMG Tag(s) were applied: PM2; PS3.

Literature cited by the submitters: PubMed 31191338.

NM_001321759.2(CDIN1):c.689A>C (p.His230Pro)

Gene: CDIN1 (CDAN1 interacting nuclease 1; plus strand). Cytogenetic location: 15q14.
Variant type: single nucleotide variant.
Coding change: c.689A>C on transcript NM_001321759.2 (MANE Select); coding-DNA position 689, A replaced by C.
Protein change: p.His230Pro; replaces histidine 230 with proline.
Molecular consequence: missense variant. On other transcripts: intron variant (1).
Genome position (GRCh38, 1-based): chr15:36,709,934, A>C. VCF-style: chr15-36709934-A-C. GRCh37 (hg19) VCF-style: chr15-37002135-A-C.
Other names: c.689A>C, p.His230Pro (NM_001130010.3, NM_001290233.2); c.395A>C, p.His132Pro (NM_001290232.2, NM_001321756.2, NM_032499.6); c.320A>C, p.His107Pro (NM_001321757.2); c.578A>C, p.His193Pro (NM_001321758.2); c.707A>C, p.His236Pro (NM_001321761.2); c.610+646A>C (NM_001321760.2); short protein forms H107P, H132P, H193P, H230P, H236P.
Identifiers: ClinVar variation 692135 (VCV000692135.1), dbSNP rs1595503440, ClinGen allele CA391924883.
Genomic context (GRCh38, chr15:36,709,934, plus strand): 5'-TTCACTGGATTGAAAGCAAAGCCTCATTTGGTGATGAATGTAGCCACCACGCCTACCTGC[A>C]TGACCAGTTCTGGAGCTACTGGAATAGGTAAGGTCTCATTATTTTTCTTTTAAGATAAAC-3'
Protein context (NP_001308688.1, residues 220-240): GDECSHHAYL[His230Pro]DQFWSYWNRF